The following is an entry in ClinVar:

NM_001145304.2(IQCN):c.3542G>A (p.Arg1181Gln)

Gene: IQCN (IQ motif containing N; minus strand). Cytogenetic location: 19p13.11.
Variant type: single nucleotide variant.
Coding change: c.3542G>A on transcript NM_001145304.2 (MANE Select); coding-DNA position 3542, G replaced by A.
Protein change: p.Arg1181Gln; replaces arginine 1181 with glutamine.
Molecular consequence: missense variant.
Genome position (GRCh38, 1-based): chr19:18,257,742, C>T on the plus strand (G>A on the coding strand, the complement: IQCN is on the minus strand). VCF-style: chr19-18257742-C-T. GRCh37 (hg19) VCF-style: chr19-18368552-C-T.
Other names: c.2843G>A, p.Arg948Gln (NM_001145305.2); c.2981G>A, p.Arg994Gln (NM_025249.4); c.3542G>A (NM_001145304.1); short protein forms R1181Q, R948Q, R994Q.
Identifiers: ClinVar variation 2649576 (VCV002649576.24), dbSNP rs147110090, ClinGen allele CA9308962.

ClinVar aggregate classification (germline): Likely benign. Review status: criteria provided, multiple submitters, no conflicts (2 of 4 stars). 2 submissions from 2 submitters: Likely benign (2). Last evaluated 2025-11-06.

Allele frequency attached by ClinVar (database versions not stated): 1000 Genomes Project 0.00200; ESP Exome Variant Server 0.00252; ExAC 0.00267; gnomAD 0.00272; TOPMed 0.00280; 1000 Genomes Project 30x 0.00172.
gnomAD v4.1: 5,915 of 1,610,892 alleles (0.37%); highest among the groups gnomAD compares: Non-Finnish European, 0.44%; 20 homozygotes.

Submissions (2):

Ambry Genetics
Classification: Likely benign. Last evaluated: 2025-11-06. Review status: criteria provided, single submitter. Criteria: Ambry Variant Classification Scheme 2023. Collection method: clinical testing. Allele origin: germline.

CeGaT Center for Human Genetics Tuebingen
Classification: Likely benign. Last evaluated: 2023-01-01. Review status: criteria provided, single submitter. Criteria: CeGaT Center For Human Genetics Tuebingen Variant Classification Criteria Version 2. Collection method: clinical testing. Allele origin: germline. Affected: yes. Observed: 1 variant allele.
Comment: IQCN: BP4, BS2